The following is an entry in ClinVar:

ClinVar aggregate classification (germline): Likely benign (0 of 4 stars; one submission).

Conditions:
TMEM132E-related disorder. Also called: TMEM132E-related condition.

Allele frequency attached by ClinVar (database versions not stated): gnomAD exomes 0.00001; TOPMed 0.00001.
gnomAD v4.1: 3 of 1,613,774 alleles (0.00019%); highest among the groups gnomAD compares: Admixed American, 0.005%; no homozygotes.

Submission:

PreventionGenetics, part of Exact Sciences
Classification: Likely benign for TMEM132E-related condition. Last evaluated: 2024-01-05. Review status: no assertion criteria provided. Collection method: clinical testing. Allele origin: germline.
Comment: This variant is classified as likely benign based on ACMG/AMP sequence variant interpretation guidelines (Richards et al. 2015 PMID: 25741868, with internal and published modifications).

NM_001304438.2(TMEM132E):c.868C>T (p.Leu290=)

Gene: TMEM132E (transmembrane protein 132E; plus strand). Cytogenetic location: 17q12.
Variant type: single nucleotide variant.
Coding change: c.868C>T on transcript NM_001304438.2 (MANE Select); coding-DNA position 868, C replaced by T.
Protein change: p.Leu290=; no amino-acid change (leucine 290 retained).
Molecular consequence: synonymous variant.
Genome position (GRCh38, 1-based): chr17:34,626,927, C>T. VCF-style: chr17-34626927-C-T. GRCh37 (hg19) VCF-style: chr17-32953946-C-T.
Identifiers: ClinVar variation 3037008 (VCV003037008.2), dbSNP rs1330972441, ClinGen allele CA499726225.